The following is an entry in ClinVar:

ClinVar aggregate classification (germline): Conflicting classifications of pathogenicity. Review status: criteria provided, conflicting classifications (1 of 4 stars). 3 submissions from 3 submitters: Uncertain significance (2); Likely benign (1). Last evaluated 2026-08-05.

Conditions:
Cardiovascular phenotype. Identifiers: MedGen CN230736.
Alstrom syndrome (ALMS). Identifiers: Orphanet 64, MedGen C0268425, MONDO:0008763, OMIM 203800.

Allele frequency attached by ClinVar (database versions not stated): gnomAD 0.00009; TOPMed 0.00010; 1000 Genomes Project 30x 0.00031; gnomAD exomes below 0.00001; ExAC 0.00003; 1000 Genomes Project 0.00020.
gnomAD v4.1: 20 of 1,614,120 alleles (0.0012%); highest among the groups gnomAD compares: African/African-American, 0.024%; no homozygotes.

Submissions (3):

Ambry Genetics
Classification: Likely benign for Cardiovascular phenotype. Last evaluated: 2026-08-05. Review status: criteria provided, single submitter. Criteria: Ambry Variant Classification Scheme 2023. Collection method: clinical testing. Allele origin: germline.

Women's Health and Genetics/Laboratory Corporation of America, LabCorp
Classification: Uncertain significance. Last evaluated: 2025-06-09. Review status: criteria provided, single submitter. Criteria: LabCorp Variant Classification Summary - May 2015. Collection method: clinical testing. Allele origin: germline.

Labcorp Genetics (formerly Invitae), Labcorp
Classification: Uncertain significance for Alstrom syndrome. Last evaluated: 2022-07-26. Review status: criteria provided, single submitter. Criteria: Invitae Variant Classification Sherloc (09022015). Collection method: clinical testing. Allele origin: germline.
Comment: This sequence change replaces proline, which is neutral and non-polar, with leucine, which is neutral and non-polar, at codon 2851 of the ALMS1 protein (p.Pro2851Leu). This variant is present in population databases (rs549756480, gnomAD 0.03%). This variant has not been reported in the literature in individuals affected with ALMS1-related conditions. Experimental studies and prediction algorithms are not available or were not evaluated, and the functional significance of this variant is currently unknown. In summary, the available evidence is currently insufficient to determine the role of this variant in disease. Therefore, it has been classified as a Variant of Uncertain Significance.

NM_001378454.1(ALMS1):c.8549C>T (p.Pro2850Leu)

Gene: ALMS1 (ALMS1 centrosome and basal body associated protein; plus strand). Cytogenetic location: 2p13.1.
Variant type: single nucleotide variant.
Coding change: c.8549C>T on transcript NM_001378454.1 (MANE Select); coding-DNA position 8549, C replaced by T.
Protein change: p.Pro2850Leu; replaces proline 2850 with leucine.
Molecular consequence: missense variant.
Genome position (GRCh38, 1-based): chr2:73,490,508, C>T. VCF-style: chr2-73490508-C-T. GRCh37 (hg19) VCF-style: chr2-73717635-C-T.
Other names: c.8552C>T, p.Pro2851Leu (NM_015120.4); short protein forms P2851L, P2850L.
Identifiers: ClinVar variation 1763831 (VCV001763831.7), dbSNP rs549756480, ClinGen allele CA1714488.